The following is an entry in ClinVar:

ClinVar aggregate classification (germline): Pathogenic/Likely pathogenic. Review status: criteria provided, multiple submitters, no conflicts (2 of 4 stars). 4 submissions from 4 submitters: Pathogenic (1); Likely pathogenic (3). Last evaluated 2025-12-14.

Conditions:
Cardiovascular phenotype. Identifiers: MedGen CN230736.
Dilated cardiomyopathy 1G (CMD1G). Identifiers: Orphanet 154, MedGen C1858763, MONDO:0011400, OMIM 604145.
Autosomal recessive limb-girdle muscular dystrophy type 2J (LGMDR10). Also called: MUSCULAR DYSTROPHY, LIMB-GIRDLE, AUTOSOMAL RECESSIVE 10; Limb-girdle muscular dystrophy, type 2J. Identifiers: Orphanet 140922, MedGen C1837342, MONDO:0012127, OMIM 608807.
Primary dilated cardiomyopathy (DCM). Also called: Dilated Cardiomyopathy. Identifiers: Orphanet 217604, MedGen C0007193, MeSH D002311, MONDO:0005021, HP:0001644. Inheritance: Various modes of inheritance.

Submissions (4):

Labcorp Genetics (formerly Invitae), Labcorp
Classification: Likely pathogenic for Dilated cardiomyopathy 1G; Autosomal recessive limb-girdle muscular dystrophy type 2J. Last evaluated: 2025-12-14. Review status: criteria provided, single submitter. Criteria: Invitae Variant Classification Sherloc (09022015). Collection method: clinical testing. Allele origin: germline.
Comment: This sequence change affects a donor splice site in intron 353 of the TTN gene. It is expected to disrupt RNA splicing and likely results in a truncated or disrupted TTN protein. This variant is not present in population databases (gnomAD no frequency). This variant has not been reported in the literature in individuals affected with TTN-related conditions. ClinVar contains an entry for this variant (Variation ID: 202428). Algorithms developed to predict the effect of sequence changes on RNA splicing suggest that this variant may disrupt the consensus splice site. This variant is located in the A band of TTN (PMID: 25589632). Truncating variants in this region are significantly overrepresented in patients affected with dilated cardiomyopathy (PMID: 25589632). Truncating variants in this region have also been reported in individuals affected with autosomal recessive centronuclear myopathy (PMID: 23975875). In summary, the currently available evidence indicates that the variant is pathogenic, but additional data are needed to prove that conclusively. Therefore, this variant has been classified as Likely Pathogenic.

Ambry Genetics
Classification: Likely pathogenic for Cardiovascular phenotype. Last evaluated: 2025-02-06. Review status: criteria provided, single submitter. Criteria: Ambry Variant Classification Scheme 2023. Collection method: clinical testing. Allele origin: germline.
Comment: The c.71794+1G>A intronic variant results from a G to A substitution one nucleotide after coding exon 180 of the TTN gene. Exon 180 is located in the A-band region of the N2-B isoform of the titin protein and is constitutively expressed in TTN transcripts (percent spliced in or PSI 100%). This alteration has been observed in individuals with a personal and/or family history that is consistent with TTN-related disease (Ambry internal data; external communications). This variant is considered to be rare based on population cohorts in the Genome Aggregation Database (gnomAD).This nucleotide position is highly conserved in available vertebrate species. In silico splice site analysis predicts that this alteration will weaken the native splice donor site. This variant disrupts the canonical splice site and is expected to cause aberrant splicing, resulting in an abnormal protein or a transcript that is subject to nonsense-mediated mRNA decay. While loss of function variants in TTN are present in 1-3% of the general population, truncating variants (a category that includes canonical splice site variants) in the A-band are the most common cause of dilated cardiomyopathy (DCM) (Herman DS et al. N. Engl. J. Med., 2012 Feb;366:619-28; Roberts AM et al. Sci Transl Med, 2015 Jan;7:270ra6). TTN truncating variants encoded in constitutive exons (PSI >90%) have been found to be significantly associated with DCM regardless of their position in titin (Schafer S et al. Nat. Genet., 2017 01;49:46-53; Akhtar MM et al. Circ Heart Fail, 2020 Oct;13:e006832; Massier M et al. Clin Genet, 2025 Jan). Based on the majority of available evidence to date, this variant is likely to be pathogenic.

Laboratory for Molecular Medicine, Mass General Brigham Personalized Medicine
Classification: Likely pathogenic for Primary dilated cardiomyopathy. Last evaluated: 2015-01-26. Review status: criteria provided, single submitter. Criteria: LMM Criteria. Collection method: clinical testing. Allele origin: germline. Observed: 1 variant allele.
Comment: The c.91285+1G>A variant in TTN has not been previously reported in individuals with cardiomyopathy or in large population studies. This variant occurs in the i nvariant region (+/- 1,2) of the splice consensus sequence and is predicted to c ause altered splicing leading to an abnormal or absent protein. Splice and other truncating variants in TTN are strongly associated with DCM, particularly if th ey are located in the exons encoding for the A-band region of the protein (Herma n 2012, Pugh 2014), where this variant is located. In summary, although addition al studies are required to fully establish its clinical significance, the c.9128 5+1G>A variant is likely pathogenic.

GeneDx
Classification: Pathogenic. Last evaluated: 2013-05-09. Review status: criteria provided, single submitter. Criteria: GeneDx Variant Classification (06012015). Collection method: clinical testing. Allele origin: germline. Affected: yes.
Comment: Although the c.94066+1 G>A mutation has not been reported as a disease-causing mutation or as a benign polymorphism to our knowledge, this mutation destroys the canonical splice donor site in intron 303 and is predicted to cause abnormal gene splicing. The mutation is predicted to lead to either an abnormal message that is subject to nonsense-mediated mRNA decay, or to an abnormal protein product if the message is used for protein translation. Other truncating TTN variants have been reported in approximately 3% of control alleles (Herman D et al., 2012). However, the c.94066+1 G>A mutation is located in the A-band region of titin, where the majority of truncating mutations associated with DCM have been reported (Herman D et al., 2012). Furthermore, c.94066+1 G>A was not observed in approximately 6000 individuals of European and African American ancestry in the NHLBI Exome Sequencing Project, indicating it is not a common benign variant in these populations. The variant is found in DCM panel(s).

Literature cited by the submitters: PubMed 25589632 (cited by Labcorp Genetics (formerly Invitae), Labcorp); PubMed 23975875 (cited by Labcorp Genetics (formerly Invitae), Labcorp).

NM_001267550.2(TTN):c.98989+1G>A

Genes: TTN (titin; minus strand), TTN-AS1 (TTN antisense RNA 1; plus strand). Cytogenetic location: 2q31.2.
Variant type: single nucleotide variant.
Coding change: c.98989+1G>A on transcript NM_001267550.2 (MANE Select); the canonical splice donor site of the intron after coding-DNA position 98989, G replaced by A.
Molecular consequence: splice donor variant. On other transcripts: non-coding transcript variant (1).
Genome position (GRCh38, 1-based): chr2:178,538,945, C>T on the plus strand (G>A on the coding strand, the complement: TTN is on the minus strand). VCF-style: chr2-178538945-C-T. GRCh37 (hg19) VCF-style: chr2-179403672-C-T.
Other names: c.71794+1G>A (NM_003319.4); c.72370+1G>A (NM_133437.4); c.72169+1G>A (NM_133432.3); c.91285+1G>A (NM_133378.4); c.94066+1G>A (NM_001256850.1).
Identifiers: ClinVar variation 202428 (VCV000202428.20), dbSNP rs112240298, ClinGen allele CA309375.